The following is an entry in ClinVar:

ClinVar aggregate classification (germline): Likely benign. Review status: criteria provided, multiple submitters, no conflicts (2 of 4 stars). 2 submissions from 2 submitters: Likely benign (2). Last evaluated 2025-08-11.

Conditions:
Dilated cardiomyopathy 1G (CMD1G). Identifiers: Orphanet 154, MedGen C1858763, MONDO:0011400, OMIM 604145.
Autosomal recessive limb-girdle muscular dystrophy type 2J (LGMDR10). Also called: Limb-girdle muscular dystrophy, type 2J; MUSCULAR DYSTROPHY, LIMB-GIRDLE, AUTOSOMAL RECESSIVE 10. Identifiers: Orphanet 140922, MedGen C1837342, MONDO:0012127, OMIM 608807.

Allele frequency attached by ClinVar (database versions not stated): gnomAD exomes below 0.00001; gnomAD 0.00001; TOPMed 0.00001.
gnomAD v4.1: 3 of 1,610,552 alleles (0.00019%); highest among the groups gnomAD compares: Admixed American, 0.0017%; no homozygotes.

Submissions (2):

Labcorp Genetics (formerly Invitae), Labcorp
Classification: Likely benign for Dilated cardiomyopathy 1G; Autosomal recessive limb-girdle muscular dystrophy type 2J. Last evaluated: 2025-08-11. Review status: criteria provided, single submitter. Criteria: Invitae Variant Classification Sherloc (09022015). Collection method: clinical testing. Allele origin: germline.

Molecular Diagnostic Laboratory for Inherited Cardiovascular Disease, Montreal Heart Institute
Classification: Likely benign. Last evaluated: 2025-07-24. Review status: criteria provided, single submitter. Criteria: ACMG Guidelines, 2015. Collection method: clinical testing. Allele origin: germline. Affected: no.
Comment: BP7

NM_001267550.2(TTN):c.23145A>G (p.Lys7715=)

Gene: TTN (titin; minus strand). Cytogenetic location: 2q31.2.
Variant type: single nucleotide variant.
Coding change: c.23145A>G on transcript NM_001267550.2 (MANE Select); coding-DNA position 23145, A replaced by G.
Protein change: p.Lys7715=; no amino-acid change (lysine 7715 retained).
Molecular consequence: synonymous variant. On other transcripts: intron variant (3).
Genome position (GRCh38, 1-based): chr2:178,720,617, T>C on the plus strand (A>G on the coding strand, the complement: TTN is on the minus strand). VCF-style: chr2-178720617-T-C. GRCh37 (hg19) VCF-style: chr2-179585344-T-C.
Other names: c.22194A>G, p.Lys7398= (NM_001256850.1); c.19413A>G, p.Lys6471= (NM_133378.4); c.13282+17465A>G (NM_003319.4); c.13858+17465A>G (NM_133437.4); c.13657+17465A>G (NM_133432.3).
Identifiers: ClinVar variation 1938378 (VCV001938378.6), dbSNP rs1192222818, ClinGen allele CA430287357.